The following is an entry in ClinVar:

NM_001164508.2(NEB):c.12182del (p.Pro4061fs)

Gene: NEB (nebulin; minus strand). Cytogenetic location: 2q23.3.
Variant type: Deletion.
Coding change: c.12182del on transcript NM_001164508.2 (MANE Select); coding-DNA position 12182, one base deleted (C; older notation c.12182delC).
Protein change: p.Pro4061fs; shifts the reading frame from proline 4061.
Molecular consequence: frameshift variant.
Genome position (GRCh38, 1-based): chr2:151,609,957, G deleted on the plus strand (C on the coding strand, the reverse complement: NEB is on the minus strand); the first of 3 consecutive G bases (chr2:151,609,957-151,609,959); deleting any one gives the same sequence. VCF-style (leftmost placement, unchanged base first): chr2-151609956-TG-T. GRCh37 (hg19) VCF-style: chr2-152466470-TG-T.
Other names: c.12182del, p.Pro4061fs (NM_001164507.2, NM_001271208.2); c.11453del, p.Pro3818fs (NM_004543.5); short protein forms P3818fs, P4061fs.
Identifiers: ClinVar variation 851515 (VCV000851515.9), dbSNP rs2097886912, ClinGen allele CA916080276.

ClinVar aggregate classification (germline): Pathogenic/Likely pathogenic. Review status: criteria provided, multiple submitters, no conflicts (2 of 4 stars). 2 submissions from 2 submitters: Pathogenic (1); Likely pathogenic (1). Last evaluated 2024-03-12.

Conditions:
Arthrogryposis multiplex congenita 6. Identifiers: MedGen C5543431, MONDO:0030281, OMIM 619334.
Nemaline myopathy 2 (NEM2). Also called: Nemaline myopathy 2, autosomal recessive. Identifiers: MedGen C1850569, MONDO:0009725, OMIM 256030.

Submissions (2):

Baylor Genetics
Classification: Likely pathogenic for Arthrogryposis multiplex congenita 6. Last evaluated: 2024-03-12. Review status: criteria provided, single submitter. Criteria: ACMG Guidelines, 2015. Collection method: clinical testing. Allele origin: unknown.

Labcorp Genetics (formerly Invitae), Labcorp
Classification: Pathogenic for Nemaline myopathy 2. Last evaluated: 2023-10-03. Review status: criteria provided, single submitter. Criteria: Invitae Variant Classification Sherloc (09022015). Collection method: clinical testing. Allele origin: germline.
Comment: This sequence change creates a premature translational stop signal (p.Pro4061Glnfs*5) in the NEB gene. It is expected to result in an absent or disrupted protein product. Loss-of-function variants in NEB are known to be pathogenic (PMID: 25205138). This variant is not present in population databases (gnomAD no frequency). This variant has not been reported in the literature in individuals affected with NEB-related conditions. ClinVar contains an entry for this variant (Variation ID: 851515). For these reasons, this variant has been classified as Pathogenic.

Literature cited by the submitters: PubMed 25205138 (cited by Labcorp Genetics (formerly Invitae), Labcorp).